The following is an entry in ClinVar:

NM_206933.4(USH2A):c.5051C>T (p.Pro1684Leu)

Genes: USH2A (usherin; minus strand), USH2A-AS2 (USH2A antisense RNA 2; plus strand). Cytogenetic location: 1q41.
Variant type: single nucleotide variant.
Coding change: c.5051C>T on transcript NM_206933.4 (MANE Select); coding-DNA position 5051, C replaced by T.
Protein change: p.Pro1684Leu; replaces proline 1684 with leucine.
Molecular consequence: missense variant.
Genome position (GRCh38, 1-based): chr1:216,084,814, G>A on the plus strand (C>T on the coding strand, the complement: USH2A is on the minus strand). VCF-style: chr1-216084814-G-A. GRCh37 (hg19) VCF-style: chr1-216258156-G-A.
Other names: short protein forms P1684L.
Identifiers: ClinVar variation 558431 (VCV000558431.14), dbSNP rs771088957, ClinGen allele CA1395548.

ClinVar aggregate classification (germline): Uncertain significance. Review status: criteria provided, multiple submitters, no conflicts (2 of 4 stars). 10 submissions from 9 submitters: Uncertain significance (9). 1 of the submissions does not count toward it. Last evaluated 2026-05-19.

Conditions:
Usher syndrome type 2A. Also called: USHER SYNDROME, TYPE IIA; RETINAL DISEASE IN USHER SYNDROME TYPE IIA, MODIFIER OF. Identifiers: Orphanet 231178, Orphanet 886, MedGen C1848634, MONDO:0010169, OMIM 276901.
Retinitis pigmentosa 39 (RP39). Identifiers: Orphanet 791, MedGen C3151138, MONDO:0013436, OMIM 613809.
USH2A-related disorder. Also called: USH2A-related disorders; USH2A-related condition. Identifiers: MedGen CN239332.

Allele frequency attached by ClinVar (database versions not stated): TOPMed 0.00001; gnomAD 0.00003; gnomAD exomes 0.00004 and 0.00009; ExAC 0.00011.
gnomAD v4.1: 62 of 1,613,330 alleles (0.0038%); highest among the groups gnomAD compares: South Asian, 0.047%; no homozygotes.

Submissions (10):

Women's Health and Genetics/Laboratory Corporation of America, LabCorp
Classification: Uncertain significance. Last evaluated: 2026-05-19. Review status: criteria provided, single submitter. Criteria: LabCorp Variant Classification Summary - May 2015. Collection method: clinical testing. Allele origin: germline.
Comment: Variant summary: USH2A c.5051C>T (p.Pro1684Leu) results in a non-conservative amino acid change in the encoded protein sequence. Algorithms developed to predict the effect of missense changes on protein structure and function are either unavailable or do not agree on the potential impact of this missense change. The variant allele was found at a frequency of 9.2e-05 in 250746 control chromosomes. This frequency is not significantly higher than estimated for disease-causing variants in USH2A, allowing no conclusion about variant significance. c.5051C>T has been observed in individual(s) affected with USH2A-related conditions (e.g. Wei_2014, Liu_2021, Zhu_2021, Sun_2015, Rong_2025, Yeo_2025). These data indicate that the variant may be associated with disease. To our knowledge, no experimental evidence demonstrating an impact on protein function has been reported. The following publications have been ascertained in the context of this evaluation (PMID: 33090715, 40702517, 26747767, 25388789, 39932467, 32675063). ClinVar contains an entry for this variant (Variation ID: 558431). Based on the evidence outlined above, the variant was classified as VUS-possibly pathogenic.

Myriad Genetics, Inc.
Classification: Uncertain significance for USH2A-related disorder. Last evaluated: 2025-11-17. Review status: criteria provided, single submitter. Criteria: Myriad Autosomal Dominant, Autosomal Recessive and X-Linked Classification Criteria (2023). Collection method: clinical testing. Allele origin: unknown.
Comment: NM_206933.2(USH2A):c.5051C>T(P1684L) is a missense variant classified as a variant of uncertain significance in the context of USH2A-related disorders. P1684L has been observed in cases with relevant disease (PMID: 25388789, 32675063, 33090715, 36110214). Relevant functional assessments of this variant are not available in the literature. P1684L has been observed in referenced population frequency databases. In summary, there is insufficient evidence to classify NM_206933.2(USH2A):c.5051C>T(P1684L) as pathogenic or benign. Please note: this variant was assessed in the context of healthy population screening.

GeneDx
Classification: Uncertain significance. Last evaluated: 2025-06-14. Review status: criteria provided, single submitter. Criteria: GeneDx Variant Classification Process June 2021. Collection method: clinical testing. Allele origin: germline. Affected: yes.
Comment: Observed as a heterozygous variant in siblings with hearing loss in published literature who also harbored a variant in the GJB2 gene (PMID: 25388789); In silico analysis supports that this missense variant has a deleterious effect on protein structure/function; This variant is associated with the following publications: (PMID: 32675063, 25388789, 26747767, 32767731, 33090715)

PreventionGenetics, part of Exact Sciences
Classification: Uncertain significance for USH2A-related condition. Last evaluated: 2025-05-28. Review status: criteria provided, single submitter. Criteria: ACMG Guidelines, 2015. Collection method: clinical testing. Allele origin: germline.
Comment: The USH2A c.5051C>T variant is predicted to result in the amino acid substitution p.Pro1684Leu. This variant was found in individuals who presented with retinitis pigmentosa (supplementary data, Zhu et al. 2020. PubMed ID: 32675063; supplementary data, Liu et al. 2020. PubMed ID: 33090715). This variant was also reported in the heterozygous state in individuals with hearing loss, although in one individual a different possible genetic cause for their condition was identified (Wei et al. 2014. PubMed ID: 25388789; Pan et al. 2020. PubMed ID: 32767731). Lastly, this variant was identified, along with a second possible causative variant in the same gene, in an individual with early-onset high myopia (supplementary data, Sun et al. 2015. PubMed ID: 26747767). This variant is reported in 0.060% of alleles in individuals of East Asian descent in gnomAD. At this time, the clinical significance of this variant is uncertain due to the absence of conclusive functional and genetic evidence.

Genome-Nilou Lab
Classification: Uncertain significance for Retinitis pigmentosa 39. Last evaluated: 2023-11-04. Review status: criteria provided, single submitter. Criteria: ACMG Guidelines, 2015. Collection method: clinical testing. Allele origin: germline. Affected: no.

Genome-Nilou Lab
Classification: Uncertain significance for Usher syndrome type 2A. Last evaluated: 2023-11-04. Review status: criteria provided, single submitter. Criteria: ACMG Guidelines, 2015. Collection method: clinical testing. Allele origin: germline. Affected: no.

Blueprint Genetics
Classification: Uncertain significance. Last evaluated: 2023-03-07. Review status: criteria provided, single submitter. Criteria: ACMG Guidelines, 2015. Collection method: clinical testing. Allele origin: germline.

Labcorp Genetics (formerly Invitae), Labcorp
Classification: Uncertain significance. Last evaluated: 2022-09-24. Review status: criteria provided, single submitter. Criteria: Invitae Variant Classification Sherloc (09022015). Collection method: clinical testing. Allele origin: germline.
Comment: This sequence change replaces proline, which is neutral and non-polar, with leucine, which is neutral and non-polar, at codon 1684 of the USH2A protein (p.Pro1684Leu). This variant is present in population databases (rs771088957, gnomAD 0.06%). This missense change has been observed in individual(s) with USH2A-related conditions (PMID: 25388789, 26747767, 32675063, 33090715). ClinVar contains an entry for this variant (Variation ID: 558431). Algorithms developed to predict the effect of missense changes on protein structure and function (SIFT, PolyPhen-2, Align-GVGD) all suggest that this variant is likely to be disruptive. In summary, the available evidence is currently insufficient to determine the role of this variant in disease. Therefore, it has been classified as a Variant of Uncertain Significance.

Victorian Clinical Genetics Services, Murdoch Childrens Research Institute
Classification: Uncertain significance for Usher syndrome type 2A. Last evaluated: 2022-02-02. Review status: criteria provided, single submitter. Criteria: ACMG Guidelines, 2015. Collection method: clinical testing. Allele origin: germline. Inheritance: Autosomal recessive inheritance.
Comment: Based on the classification scheme VCGS_Germline_v1.3.4, this variant is classified as VUS-3B. Following criteria are met: 0102 - Loss of function is a known mechanism of disease in this gene and is associated with Usher syndrome, type 2A (MIM#276901). (I) 0106 - This gene is associated with autosomal recessive disease. (I) 0200 - Variant is predicted to result in a missense amino acid change from proline to leucine. (I) 0251 - This variant is heterozygous. (I) 0304 - Variant is present in gnomAD <0.01 for a recessive condition (v2) (27 heterozygotes, 0 homozygotes). (SP) 0309 - An alternative amino acid change at the same position has been observed in gnomAD (v2) (1 heterozygote, 0 homozygotes). (I) 0502 - Missense variant with conflicting in silico predictions and uninformative conservation. (I) 0604 - Variant is not located in an established domain, motif, hotspot or informative constraint region. (I) 0705 - No comparable missense variants have previous evidence for pathogenicity. (I) 0809 - Previous evidence of pathogenicity for this variant is inconclusive. This variant has previously been reported as a VUS in ClinVar and in an adult patient with early onset myopia where a second variant in the same gene was also identified, however, pathogenicity of the variant could not be confirmed (PMID: 26747767 ). It has also been reported in the heterozygous state in a family with severe hearing loss and in another family where an alternative diagnosis was identified (PMID: 25388789; 32767731) (I) 0905 - No published segregation evidence has been identified for this variant. (I) 1007 - No published functional evidence has been identified for this variant. (I) Legend: (SP) - Supporting pathogenic, (I) - Information, (SB) - Supporting benign

Counsyl
Classification: Uncertain significance for Usher syndrome type 2A; Retinitis pigmentosa 39. Last evaluated: 2018-05-23. Review status: no assertion criteria provided. Collection method: clinical testing. Allele origin: unknown. Not counted in ClinVar's aggregate classification.

Literature cited by the submitters: PubMed 32675063 (cited by 3 submitters); PubMed 33090715 (cited by 3 submitters); PubMed 26747767 (cited by 4 submitters); PubMed 39932467 (cited by Women's Health and Genetics/Laboratory Corporation of America, LabCorp); PubMed 40702517 (cited by Women's Health and Genetics/Laboratory Corporation of America, LabCorp); PubMed 25388789 (cited by 5 submitters); PubMed 36110214 (cited by Myriad Genetics, Inc.); PubMed 32767731 (cited by Victorian Clinical Genetics Services, Murdoch Childrens Research Institute).